The following is an entry in ClinVar:

NM_004333.6(BRAF):c.325T>A (p.Phe109Ile)

Gene: BRAF (B-Raf proto-oncogene, serine/threonine kinase; minus strand). Cytogenetic location: 7q34.
Variant type: single nucleotide variant.
Coding change: c.325T>A on transcript NM_004333.6 (MANE Select); coding-DNA position 325, T replaced by A.
Protein change: p.Phe109Ile; replaces phenylalanine 109 with isoleucine.
Molecular consequence: missense variant. On other transcripts: intron variant (1).
Genome position (GRCh38, 1-based): chr7:140,834,788, A>T on the plus strand (T>A on the coding strand, the complement: BRAF is on the minus strand). VCF-style: chr7-140834788-A-T. GRCh37 (hg19) VCF-style: chr7-140534588-A-T.
Other names: p.F109I:TTT>ATT; c.325T>A, p.Phe109Ile (NM_001354609.2, NM_001374244.1, NM_001374258.1 and 5 more transcripts); c.223T>A, p.Phe75Ile (NM_001378470.1); c.169T>A, p.Phe57Ile (NM_001378472.1, NM_001378473.1); c.240+15323T>A (NM_001378475.1); short protein forms F109I, F57I, F75I.
Identifiers: ClinVar variation 40339 (VCV000040339.10), dbSNP rs397507460, ClinGen allele CA281936.
Genomic context (GRCh38, chr7:140,834,788, plus strand): 5'-AAAGGCTAGAAGAGGAAGAAGATGTAACGGTATCCATTGATGCAGAGCTAGAAACAGAAA[A>T]ATCAGTTCCGTTCCCCAGAGATTCCAATAACTGTTGTTCTCTTTGTTGGAGTGCATCTAG-3'
Protein context (NP_004324.2, residues 99-119): LLESLGNGTD[Phe109Ile]SVSSSASMDT

ClinVar aggregate classification (germline): Uncertain significance. Review status: criteria provided, multiple submitters, no conflicts (2 of 4 stars). 3 submissions from 3 submitters: Uncertain significance (3). Last evaluated 2025-05-07.

Conditions:
RASopathy. Also called: rasopathies; Noonan spectrum disorder. Identifiers: Orphanet 536391, MedGen C5555857, MONDO:0021060.

Allele frequency attached by ClinVar (database versions not stated): gnomAD exomes below 0.00001 and 0.00001; ExAC 0.00001; TOPMed 0.00002.
gnomAD v4.1: 5 of 1,614,168 alleles (0.00031%); highest among the groups gnomAD compares: Non-Finnish European, 0.00042%; no homozygotes.

Submissions (3):

Labcorp Genetics (formerly Invitae), Labcorp
Classification: Uncertain significance for RASopathy. Last evaluated: 2025-05-07. Review status: criteria provided, single submitter. Criteria: Invitae Variant Classification Sherloc (09022015). Collection method: clinical testing. Allele origin: germline.
Comment: This sequence change replaces phenylalanine, which is neutral and non-polar, with isoleucine, which is neutral and non-polar, at codon 109 of the BRAF protein (p.Phe109Ile). This variant is present in population databases (rs397507460, gnomAD 0.0009%). This variant has not been reported in the literature in individuals affected with BRAF-related conditions. ClinVar contains an entry for this variant (Variation ID: 40339). Invitae Evidence Modeling of protein sequence and biophysical properties (such as structural, functional, and spatial information, amino acid conservation, physicochemical variation, residue mobility, and thermodynamic stability) indicates that this missense variant is not expected to disrupt BRAF protein function with a negative predictive value of 95%. In summary, the available evidence is currently insufficient to determine the role of this variant in disease. Therefore, it has been classified as a Variant of Uncertain Significance.

Revvity Omics, Revvity
Classification: Uncertain significance. Last evaluated: 2025-02-17. Review status: criteria provided, single submitter. Criteria: ACMG Guidelines, 2015. Collection method: clinical testing. Allele origin: germline.

GeneDx
Classification: Uncertain significance. Last evaluated: 2012-11-06. Review status: criteria provided, single submitter. Criteria: GeneDx Variant Classification (06012015). Collection method: clinical testing. Allele origin: germline. Affected: yes.
Comment: p.Phe109Ile (TTT>ATT):c.325 T>A in exon 3 of the BRAF gene (NM_004333.4). The F109I missense change has neither been reported as a disease-causing mutation nor as a benign polymorphism to our knowledge. The F109I amino acid substitution is semi-conservative in that a neutral, large residue (Phe) is replaced by another neutral, but smaller residue (Ile). The position is moderately conserved across species. Additionally, no other pathogenic missense mutations in BRAF have been described in the surrounding region. However, the NHLBI ESP Exome Variant Server reports F109I was not observed in approximately 6,000 control samples from individuals of European and African American backgrounds, indicating it is not a common benign variant in these populations. Therefore, the F109I missense change is considered to be a variant of unknown clinical significance. The variant is found in NOONAN panel(s).